The following is an entry in ClinVar:

NM_025225.3(PNPLA3):c.*889A>G

Gene: PNPLA3 (patatin like domain 3, 1-acylglycerol-3-phosphate O-acyltransferase; plus strand). Cytogenetic location: 22q13.31.
Variant type: single nucleotide variant.
Coding change: c.*889A>G on transcript NM_025225.3 (MANE Select); 889 bases downstream of the stop codon, A replaced by G.
Molecular consequence: 3 prime UTR variant.
Genome position (GRCh38, 1-based): chr22:43,947,271, A>G. VCF-style: chr22-43947271-A-G. GRCh37 (hg19) VCF-style: chr22-44343151-A-G.
Identifiers: ClinVar variation 341957 (VCV000341957.6), dbSNP rs1810508, ClinGen allele CA10645660.

ClinVar aggregate classification (germline): Benign. Review status: criteria provided, multiple submitters, no conflicts (2 of 4 stars). 2 submissions from 2 submitters: Benign (2). Last evaluated 2018-01-13.

Conditions:
NAFLD1 (FLD1). Also called: FATTY LIVER DISEASE, SUSCEPTIBILITY TO, 1; Fatty liver disease, nonalcoholic 1. Identifiers: MedGen C2750440, MONDO:0021105, OMIM 613282.

Allele frequency attached by ClinVar (database versions not stated): gnomAD 0.19928 and 0.20372; TOPMed 0.21644; 1000 Genomes Project 0.26138; 1000 Genomes Project 30x 0.26187.

Submissions (2):

Illumina Laboratory Services, Illumina
Classification: Benign for NAFLD1. Last evaluated: 2018-01-13. Review status: criteria provided, single submitter. Criteria: ICSL Variant Classification Criteria 13 December 2019. Collection method: clinical testing. Allele origin: germline.
Comment: This variant was observed in the ICSL laboratory as part of a predisposition screen in an ostensibly healthy population. It had not been previously curated by ICSL or reported in the Human Gene Mutation Database (HGMD: prior to June 1st, 2018), and was therefore a candidate for classification through an automated scoring system. Utilizing variant allele frequency, disease prevalence and penetrance estimates, and inheritance mode, an automated score was calculated to assess if this variant is too frequent to cause the disease. Based on the score and internal cut-off values, a variant classified as benign is not then subjected to further curation. The score for this variant resulted in a classification of benign for this disease.

Breakthrough Genomics
Classification: Benign. Review status: criteria provided, single submitter. Criteria: ACMG Guidelines, 2015. Collection method: not provided. Allele origin: germline. Inheritance: Unknown mechanism. Affected: yes.